The following is an entry in ClinVar:

NM_001374353.1(GLI2):c.174C>G (p.Phe58Leu)

Gene: GLI2 (GLI family zinc finger 2; plus strand). Cytogenetic location: 2q14.2.
Variant type: single nucleotide variant.
Coding change: c.174C>G on transcript NM_001374353.1 (MANE Select); coding-DNA position 174, C replaced by G.
Protein change: p.Phe58Leu; replaces phenylalanine 58 with leucine.
Molecular consequence: missense variant. On other transcripts: intron variant (1).
Genome position (GRCh38, 1-based): chr2:120,927,386, C>G. VCF-style: chr2-120927386-C-G. GRCh37 (hg19) VCF-style: chr2-121684962-C-G.
Other names: c.174C>G, p.Phe58Leu (NM_001371271.1, NM_005270.5); c.-121-23857C>G (NM_001374354.1); short protein forms F58L.
Identifiers: ClinVar variation 4530520 (VCV004530520.1).

ClinVar aggregate classification (somatic clinical impact): Tier II - Potential (1 of 4 stars; one submission).

Conditions:
Medulloblastoma WNT activated. Identifiers: MedGen C4331965, MONDO:0850196.

Submission:

Institute for Genomic Medicine (IGM) Clinical Laboratory, Nationwide Children's Hospital
Classification: Tier II - Potential for Medulloblastoma WNT activated. Assertion type: diagnostic. Clinical significance: supports diagnosis. Last evaluated: 2023-04-11. Review status: criteria provided, single submitter. Criteria: AMP/ASCO/CAP Guidelines, 2017. Collection method: clinical testing. Allele origin: somatic. Affected: yes.
Comment: Variant has Tier II (potential) clinical significance as a diagnostic inclusion criterion in medulloblastoma WNT activated, based on the following evidence: 1) Documented in one or more cancer databases (e.g., St. Jude Pecan, COSMIC, CIViC, OncoKB). 2) Assists in diagnosis alone or along with other biomarkers based on small studies or few case reports (Evidence Level D; PMID: 29435664).

Literature cited by the submitters: PubMed 29435664.